The following is an entry in ClinVar:

ClinVar aggregate classification (germline): Uncertain significance (1 of 4 stars; one submission).

Allele frequency attached by ClinVar (database versions not stated): gnomAD exomes below 0.00001.

Submission:

Laboratory for Molecular Medicine, Mass General Brigham Personalized Medicine
Classification: Uncertain significance. Last evaluated: 2014-07-17. Review status: criteria provided, single submitter. Criteria: LMM Criteria. Collection method: clinical testing. Allele origin: germline. Observed: 2 variant alleles.
Comment: The Lys15272del variant in TTN has not been reported in individuals with cardiom yopathy or in large population studies. This variant is a deletion of the lysine (Lys) residue at position 15272 and is not predicted to alter the protein readi ng-frame. It is currently unclear how this deletion would impact the protein. Ad ditional information is needed to fully assess the clinical significance of the Lys15272del variant.

NM_001267550.2(TTN):c.53517_53519del (p.Lys17840del)

Genes: TTN (titin; minus strand), TTN-AS1 (TTN antisense RNA 1; plus strand). Cytogenetic location: 2q31.2.
Variant type: Deletion.
Coding change: c.53517_53519del on transcript NM_001267550.2 (MANE Select); coding-DNA positions 53517 to 53519, 3 bases deleted (CAA; older notation c.53517_53519delCAA).
Protein change: p.Lys17840del; deletes lysine 17840.
Molecular consequence: inframe deletion.
Genome position (GRCh38, 1-based): chr2:178,607,083-178,607,085, TTG deleted on the plus strand (CAA on the coding strand, the reverse complement: TTN is on the minus strand). VCF-style (leftmost placement, unchanged base first): chr2-178607082-CTTG-C. GRCh37 (hg19) VCF-style: chr2-179471809-CTTG-C.
Other names: c.48594_48596del, p.Lys16199del (NM_001256850.1); c.26322_26324del, p.Lys8775del (NM_003319.4); c.45813_45815del, p.Lys15272del (NM_133378.4); c.26697_26699del, p.Lys8900del (NM_133432.3); c.26898_26900del, p.Lys8967del (NM_133437.4); c.45813_45815delCAA (NM_133378.4); short protein forms K15272del, K17840del, K8900del, K16199del, K8775del, K8967del.
Identifiers: ClinVar variation 179198 (VCV000179198.5), dbSNP rs727504701, ClinGen allele CA183938.